The following is an entry in ClinVar:

NM_000530.8(MPZ):c.306del (p.Asp104fs)

Gene: MPZ (myelin protein zero; minus strand). Cytogenetic location: 1q23.3.
Variant type: Deletion.
Coding change: c.306del on transcript NM_000530.8 (MANE Select); coding-DNA position 306, one base deleted (A; older notation c.306delA).
Protein change: p.Asp104fs; shifts the reading frame from aspartic acid 104.
Molecular consequence: frameshift variant.
Genome position (GRCh38, 1-based): chr1:161,306,850, T deleted on the plus strand (A on the coding strand, the reverse complement: MPZ is on the minus strand). VCF-style (leftmost placement, unchanged base first): chr1-161306849-CT-C. GRCh37 (hg19) VCF-style: chr1-161276639-CT-C.
Other names: c.306del, p.Asp104ThrfsTer14 (LRG_256t1); c.306del, p.Asp104fs (NM_001315491.2); short protein forms D104fs.
Identifiers: ClinVar variation 41019 (VCV000041019.13), dbSNP rs281865125, ClinGen allele CA343903.

ClinVar aggregate classification (germline): Pathogenic/Likely pathogenic. Review status: criteria provided, multiple submitters, no conflicts (2 of 4 stars). 5 submissions from 5 submitters: Pathogenic (1); Likely pathogenic (1). 3 of the submissions do not count toward it. Last evaluated 2023-11-27.

Conditions:
Charcot-Marie-Tooth disease. Also called: Charcot-Marie-Tooth Neuropathy; Charcot-Marie-Tooth Hereditary Neuropathy. Identifiers: Orphanet 166, MedGen C0007959, MONDO:0015626.
Charcot-Marie-Tooth disease, type I (CMT1). Also called: Charcot-Marie-Tooth disease type 1; Charcot-Marie-Tooth, Type 1. Identifiers: Orphanet 65753, MedGen C0751036, MONDO:0019011.
Charcot-Marie-Tooth disease dominant intermediate D. Also called: Charcot-Marie-Tooth disease dominant intermediate 3; CMT DI3; CHARCOT-MARIE-TOOTH NEUROPATHY, DOMINANT INTERMEDIATE D. Identifiers: Orphanet 100046, MedGen C1843075, MONDO:0011909, OMIM 607791.
Charcot-Marie-Tooth disease type 1B. Also called: Charcot-Marie-Tooth disease, demyelinating, type 1b; Hereditary motor and sensory neuropathy 1B; Charcot-Marie-Tooth disease, type IB; CHARCOT-MARIE-TOOTH DISEASE, AUTOSOMAL DOMINANT, WITH FOCALLY FOLDED MYELIN SHEATHS, TYPE 1B; CHARCOT-MARIE-TOOTH DISEASE, SLOW NERVE CONDUCTION TYPE, LINKED TO DUFFY; CHARCOT-MARIE-TOOTH NEUROPATHY, TYPE 1B. Identifiers: Orphanet 101082, MedGen C0270912, MONDO:0007307, OMIM 118200.
Autosomal recessive Dejerine-Sottas syndrome. Also called: Autosomal recessive Dejerine-sottas neuropathy. Identifiers: MedGen CN069172.

Submissions (5):

Labcorp Genetics (formerly Invitae), Labcorp
Classification: Pathogenic for Charcot-Marie-Tooth disease, type I. Last evaluated: 2023-11-27. Review status: criteria provided, single submitter. Criteria: Invitae Variant Classification Sherloc (09022015). Collection method: clinical testing. Allele origin: germline.
Comment: This sequence change creates a premature translational stop signal (p.Asp104Thrfs*14) in the MPZ gene. It is expected to result in an absent or disrupted protein product. Loss-of-function variants in MPZ are known to be pathogenic (PMID: 14711881). This variant is not present in population databases (gnomAD no frequency). This premature translational stop signal has been observed in individual(s) with MPZ-related conditions (PMID: 8816708). ClinVar contains an entry for this variant (Variation ID: 41019). For these reasons, this variant has been classified as Pathogenic.

Institute of Human Genetics, University of Leipzig Medical Center
Classification: Likely pathogenic for Charcot-Marie-Tooth disease dominant intermediate D. Last evaluated: 2020-10-16. Review status: criteria provided, single submitter. Criteria: ACMG Guidelines, 2015. Collection method: clinical testing. Allele origin: paternal. Affected: yes.

OMIM
Classification: Pathogenic for DEJERINE-SOTTAS SYNDROME, AUTOSOMAL RECESSIVE. Last evaluated: 1996-09-01. Review status: no assertion criteria provided. Collection method: literature only. Allele origin: germline. Not counted in ClinVar's aggregate classification.

GeneReviews
No classification provided. Condition: Charcot-Marie-Tooth disease type 1B. Review status: no classification provided. Collection method: literature only. Allele origin: germline. Affected: yes. Not counted in ClinVar's aggregate classification.

Inherited Neuropathy Consortium
Classification: Uncertain significance for Charcot-Marie-Tooth disease. Review status: no assertion criteria provided. Collection method: literature only. Allele origin: germline. Affected: yes. Not counted in ClinVar's aggregate classification.

Literature cited by the submitters: PubMed 14711881 (cited by Labcorp Genetics (formerly Invitae), Labcorp); PubMed 8816708 (cited by 3 submitters); PubMed 7581451 (cited by OMIM); NCBI Bookshelf NBK1205 (cited by GeneReviews).